The following is an entry in ClinVar:

NM_001267550.2(TTN):c.33247+2T>A

Gene: TTN (titin; minus strand). Cytogenetic location: 2q31.2.
Variant type: single nucleotide variant.
Coding change: c.33247+2T>A on transcript NM_001267550.2 (MANE Select); the canonical splice donor site of the intron after coding-DNA position 33247, T replaced by A.
Molecular consequence: splice donor variant. On other transcripts: intron variant (3).
Genome position (GRCh38, 1-based): chr2:178,681,374, A>T on the plus strand (T>A on the coding strand, the complement: TTN is on the minus strand). VCF-style: chr2-178681374-A-T. GRCh37 (hg19) VCF-style: chr2-179546101-A-T.
Other names: c.13283-39057T>A (NM_003319.4); c.13859-39057T>A (NM_133437.4); c.13658-39057T>A (NM_133432.3); c.29515+2T>A (NM_133378.4); c.32296+2T>A (NM_001256850.1).
Identifiers: ClinVar variation 1961572 (VCV001961572.4), dbSNP rs878883920, ClinGen allele CA60983907.

ClinVar aggregate classification (germline): Likely pathogenic (1 of 4 stars; one submission).

Conditions:
Autosomal recessive limb-girdle muscular dystrophy type 2J (LGMDR10). Also called: Limb-girdle muscular dystrophy, type 2J; MUSCULAR DYSTROPHY, LIMB-GIRDLE, AUTOSOMAL RECESSIVE 10. Identifiers: Orphanet 140922, MedGen C1837342, MONDO:0012127, OMIM 608807.
Dilated cardiomyopathy 1G (CMD1G). Identifiers: Orphanet 154, MedGen C1858763, MONDO:0011400, OMIM 604145.

Allele frequency attached by ClinVar (database versions not stated): gnomAD 0.00001; gnomAD exomes 0.00001.
gnomAD v4.1: 14 of 1,610,794 alleles (0.00087%); highest among the groups gnomAD compares: Non-Finnish European, 0.0012%; no homozygotes.

Submission:

Labcorp Genetics (formerly Invitae), Labcorp
Classification: Likely pathogenic for Dilated cardiomyopathy 1G; Autosomal recessive limb-girdle muscular dystrophy type 2J. Last evaluated: 2024-10-28. Review status: criteria provided, single submitter. Criteria: Invitae Variant Classification Sherloc (09022015). Collection method: clinical testing. Allele origin: germline.
Comment: This sequence change affects a donor splice site in intron 137 of the TTN gene. It is expected to disrupt RNA splicing and likely results in a truncated or disrupted TTN protein. This variant is not present in population databases (gnomAD no frequency). This variant has not been reported in the literature in individuals affected with TTN-related conditions. ClinVar contains an entry for this variant (Variation ID: 1961572). Algorithms developed to predict the effect of sequence changes on RNA splicing suggest that this variant may disrupt the consensus splice site. This variant is located in the I band of TTN (PMID: 25589632). Truncating variants in this region have been reported in individuals affected with autosomal recessive centronuclear myopathy (PMID: 23975875, internal data). Truncating variants in this region have also been identified in individuals affected with autosomal dominant dilated cardiomyopathy and/or cardio-related conditions (PMID: 27869827, 32964742, internal data). In summary, the currently available evidence indicates that the variant is pathogenic, but additional data are needed to prove that conclusively. Therefore, this variant has been classified as Likely Pathogenic.

Literature cited by the submitters: PubMed 25589632; PubMed 23975875; PubMed 27869827; PubMed 32964742.